The following is an entry in ClinVar:

ClinVar aggregate classification (germline): Uncertain significance. Review status: criteria provided, multiple submitters, no conflicts (2 of 4 stars). 3 submissions from 3 submitters: Uncertain significance (3). Last evaluated 2026-02-17.

Conditions:
Seizures, benign familial infantile, 3 (BFIS3). Also called: CONVULSIONS, BENIGN FAMILIAL INFANTILE, 3; Familial neonatal seizures. Identifiers: Orphanet 140927, Orphanet 306, MedGen C1843140, MONDO:0011904, OMIM 607745.
Developmental and epileptic encephalopathy, 11 (DEE11). Also called: Early infantile epileptic encephalopathy 11. Identifiers: Orphanet 1934, MedGen C3150987, MONDO:0013388, OMIM 613721.

Submissions (3):

Women's Health and Genetics/Laboratory Corporation of America, LabCorp
Classification: Uncertain significance. Last evaluated: 2026-02-17. Review status: criteria provided, single submitter. Criteria: LabCorp Variant Classification Summary - May 2015. Collection method: clinical testing. Allele origin: germline.
Comment: Variant summary: SCN2A c.5732T>C (p.Ile1911Thr) results in a non-conservative amino acid change in the encoded protein sequence. Algorithms developed to predict the effect of missense changes on protein structure and function all suggest that this variant is likely to be disruptive. The variant was absent in 250658 control chromosomes. The available data on variant occurrences in the general population are insufficient to allow any conclusion about variant significance. To our knowledge, no occurrence of c.5732T>C in individuals affected with SCN2A-related conditions and no experimental evidence demonstrating its impact on protein function have been reported. ClinVar contains an entry for this variant (Variation ID: 1316144). Based on the evidence outlined above, the variant was classified as uncertain significance.

Labcorp Genetics (formerly Invitae), Labcorp
Classification: Uncertain significance for Seizures, benign familial infantile, 3; Developmental and epileptic encephalopathy, 11. Last evaluated: 2023-11-22. Review status: criteria provided, single submitter. Criteria: Invitae Variant Classification Sherloc (09022015). Collection method: clinical testing. Allele origin: germline.
Comment: This sequence change replaces isoleucine, which is neutral and non-polar, with threonine, which is neutral and polar, at codon 1911 of the SCN2A protein (p.Ile1911Thr). This variant is not present in population databases (gnomAD no frequency). This variant has not been reported in the literature in individuals affected with SCN2A-related conditions. ClinVar contains an entry for this variant (Variation ID: 1316144). Advanced modeling of protein sequence and biophysical properties (such as structural, functional, and spatial information, amino acid conservation, physicochemical variation, residue mobility, and thermodynamic stability) has been performed at Invitae for this missense variant, however the output from this modeling did not meet the statistical confidence thresholds required to predict the impact of this variant on SCN2A protein function. In summary, the available evidence is currently insufficient to determine the role of this variant in disease. Therefore, it has been classified as a Variant of Uncertain Significance.

GeneDx
Classification: Uncertain significance. Last evaluated: 2019-07-25. Review status: criteria provided, single submitter. Criteria: GeneDx Variant Classification Process June 2021. Collection method: clinical testing. Allele origin: germline. Affected: yes.
Comment: Not observed in large population cohorts (Lek et al., 2016); The majority of missense variants in this gene are considered pathogenic (Stenson et al., 2014); In silico analysis, which includes protein predictors and evolutionary conservation, supports a deleterious effect; Has not been previously published as pathogenic or benign to our knowledge; This substitution is predicted to be within the C-terminal cytoplasmic domain.

NM_001040142.2(SCN2A):c.5732T>C (p.Ile1911Thr)

Gene: SCN2A (sodium voltage-gated channel alpha subunit 2; plus strand). Cytogenetic location: 2q24.3.
Variant type: single nucleotide variant.
Coding change: c.5732T>C on transcript NM_001040142.2 (MANE Select); coding-DNA position 5732, T replaced by C.
Protein change: p.Ile1911Thr; replaces isoleucine 1911 with threonine.
Molecular consequence: missense variant.
Genome position (GRCh38, 1-based): chr2:165,389,538, T>C. VCF-style: chr2-165389538-T-C. GRCh37 (hg19) VCF-style: chr2-166246048-T-C.
Other names: c.5732T>C, p.Ile1911Thr (NM_001040143.2, NM_001371246.1, NM_001371247.1 and 1 more transcripts); short protein forms I1911T.
Identifiers: ClinVar variation 1316144 (VCV001316144.8), dbSNP rs2105403778, ClinGen allele CA349040043.
Genomic context (GRCh38, chr2:165,389,538, plus strand): 5'-TCTCTTATGAGCCCATTACGACCACGTTGAAACGCAAACAAGAGGAGGTGTCTGCTATTA[T>C]TATCCAGAGGGCTTACAGACGCTACCTCTTGAAGCAAAAAGTTAAAAAGGTATCAAGTAT-3'
Protein context (NP_001035232.1, residues 1901-1921): KRKQEEVSAI[Ile1911Thr]IQRAYRRYLL